The following is an entry in ClinVar:

ClinVar aggregate classification (germline): Conflicting classifications of pathogenicity. Review status: criteria provided, conflicting classifications (1 of 4 stars). 4 submissions from 4 submitters: Uncertain significance (1); Likely benign (3). Last evaluated 2025-03-03.

Conditions:
Mitochondrial DNA depletion syndrome 6 (hepatocerebral type). Also called: Mitochondrial DNA depletion syndrome type 6; NAVAJO NEUROPATHY; Navajo neurohepatopathy. Identifiers: Orphanet 255229, MedGen C1850406, MONDO:0009747, OMIM 256810.

Allele frequency attached by ClinVar (database versions not stated): 1000 Genomes Project 30x 0.00016; 1000 Genomes Project 0.00020; TOPMed 0.00076; gnomAD 0.00079 and 0.00080; ExAC 0.00087; gnomAD exomes 0.00092 and 0.00093; ESP Exome Variant Server 0.00108.
gnomAD v4.1: 1,479 of 1,611,112 alleles (0.092%); highest among the groups gnomAD compares: Middle Eastern, 0.18%; 1 homozygote.

Submissions (4):

Mayo Clinic Laboratories, Mayo Clinic
Classification: Likely benign. Last evaluated: 2025-03-03. Review status: criteria provided, single submitter. Criteria: ACMG Guidelines, 2015. Collection method: clinical testing. Allele origin: germline. Observed: 1 variant allele.
Comment: BS1, BP4_moderate, BP7

Blueprint Genetics
Classification: Likely benign. Last evaluated: 2024-11-26. Review status: criteria provided, single submitter. Criteria: ACMG Guidelines, 2015. Collection method: clinical testing. Allele origin: germline.

GeneDx
Classification: Likely benign. Last evaluated: 2018-05-21. Review status: criteria provided, single submitter. Criteria: GeneDx Variant Classification Process June 2021. Collection method: clinical testing. Allele origin: germline. Affected: yes.

Illumina Laboratory Services, Illumina
Classification: Uncertain significance for Mitochondrial DNA depletion syndrome 6 (hepatocerebral type). Last evaluated: 2018-01-13. Review status: criteria provided, single submitter. Criteria: ICSL Variant Classification Criteria 13 December 2019. Collection method: clinical testing. Allele origin: germline.

NM_002437.5(MPV17):c.*12T>G

Gene: MPV17 (mitochondrial inner membrane protein MPV17; minus strand). Cytogenetic location: 2p23.3.
Variant type: single nucleotide variant.
Coding change: c.*12T>G on transcript NM_002437.5 (MANE Select); 12 bases downstream of the stop codon, T replaced by G.
Molecular consequence: 3 prime UTR variant.
Genome position (GRCh38, 1-based): chr2:27,309,900, A>C on the plus strand (T>G on the coding strand, the complement: MPV17 is on the minus strand). VCF-style: chr2-27309900-A-C. GRCh37 (hg19) VCF-style: chr2-27532768-A-C.
Identifiers: ClinVar variation 387355 (VCV000387355.9), dbSNP rs201202659, ClinGen allele CA1575457.